The following is an entry in ClinVar:

NM_000536.4(RAG2):c.193G>T (p.Asp65Tyr)

Gene: RAG2 (recombination activating 2; minus strand). Cytogenetic location: 11p12.
Variant type: single nucleotide variant.
Coding change: c.193G>T on transcript NM_000536.4 (MANE Select); coding-DNA position 193, G replaced by T.
Protein change: p.Asp65Tyr; replaces aspartic acid 65 with tyrosine.
Molecular consequence: missense variant.
Genome position (GRCh38, 1-based): chr11:36,593,976, C>A on the plus strand (G>T on the coding strand, the complement: RAG2 is on the minus strand). VCF-style: chr11-36593976-C-A. GRCh37 (hg19) VCF-style: chr11-36615526-C-A.
Other names: NM_000536.4(RAG2):c.193G>T; p.Asp65Tyr; c.193G>T, p.Asp65Tyr (NM_001243785.2, NM_001243786.2); short protein forms D65Y.
Identifiers: ClinVar variation 427020 (VCV000427020.7), dbSNP rs909264507, ClinGen allele CA380144219.

ClinVar aggregate classification (germline): Likely pathogenic. Review status: reviewed by expert panel (3 of 4 stars). 6 submissions from 6 submitters: Likely pathogenic (1). 5 of the submissions do not count toward it. Last evaluated 2023-11-14.

Conditions:
Severe combined immunodeficiency, autosomal recessive, T cell-negative, B cell-negative, NK cell-positive. Also called: SCID, AR, T-cell negative, B-cell negative, NK cell-positive; Severe combined immunodeficiency due to complete RAG1/2 deficiency; SCID, T CELL-NEGATIVE, B CELL-NEGATIVE, NK CELL-POSITIVE. Identifiers: Orphanet 331206, MedGen C1832322, MONDO:0011086, OMIM 601457.
Combined immunodeficiency with skin granulomas. Identifiers: Orphanet 157949, MedGen C2673536, MONDO:0009306, OMIM 233650.
Histiocytic medullary reticulosis. Also called: Omenn syndrome; SEVERE COMBINED IMMUNODEFICIENCY WITH HYPEREOSINOPHILIA. Identifiers: Orphanet 39041, MedGen C2700553, MONDO:0011338, OMIM 603554.
Recombinase activating gene 2 deficiency. Also called: RAG2 deficiency. Identifiers: MedGen CN257931, MONDO:0000573.
Inborn error of immunity. Also called: Primary immunodeficiency; Inborn errors of immunity. Identifiers: Orphanet 101997, MedGen C0398686, MONDO:0003778.
Severe combined immunodeficiency disease. Also called: Severe Combined Immune Deficiency; Severe combined immunodeficiency. Identifiers: Orphanet 183660, MedGen C0085110, MeSH D016511, MONDO:0015974, HP:0004430. Inheritance: X-Linked or Autosomal recessive.

Allele frequency attached by ClinVar (database versions not stated): gnomAD exomes below 0.00001.

Submissions (6):

ClinGen Severe Combined Immunodeficiency Variant Curation Expert Panel, ClinGen
Classification: Likely pathogenic for Recombinase activating gene 2 deficiency. Last evaluated: 2023-11-14. Review status: reviewed by expert panel. Criteria: ClinGen SCID ACMG Specifications RAG2 V1.0.0. Collection method: curation. Allele origin: germline. Inheritance: Autosomal recessive inheritance.
Comment: The NM_000536.4:c.193G>T variant in RAG2 is a missense variant predicted to cause substitution of aspartic acid by tyrosine at amino acid 65 (p.Asp74Tyr). The variant has been reported in one individual with SCID. The individual was homozygous of this variant (PM3_Supporting, PMID 21624848). The individual had a T-B-NK+ lymphocyte profile and showed reduced T-cell proliferation under PHA stimulation, which supports a diagnosis of leaky/atypical SCID (PP4, PMID 21624848). The highest population minor allele frequency of this variant in gnomAD v2.1.1 is 0.000008791 (1/113758 alleles) in the European (non-Finnish) population, which is lower than the SCID-VCEP threshold (<0.0000588) for PM2_Supporting. No homozygous individual has been observed in the gnomAD v2.1.1 (PM2_Supporting). This variant resides within the core domain (amino acids 1-383) of RAG2, defined as a critical functional domain by the ClinGen SCID VCEP. (PM1_Supporting). An in vitro recombination activity assay shows that the relevant activity of the p.D65Y variant compared to wildtype RAG2 is 6.8%, which is below the threshold (<25%) established by the SCID VCEP for PS3_Moderate (PS3_Moderate, PMID 29772310). In summary, this variant meets the criteria to be classified as likely pathogenic for autosomal recessive recombinase activating gene 2 deficiency based on the ACMG/AMP criteria applied, as specified by the ClinGen SCID VCEP. Criteria applied: PP4, PM3_Supporting, PM2_Supporting, PM1_Supporting, and PS3_Moderate (VCEP specifications version 1.0).

Women's Health and Genetics/Laboratory Corporation of America, LabCorp
Classification: Likely pathogenic for Severe combined immunodeficiency disease. Last evaluated: 2023-03-14. Review status: criteria provided, single submitter. Criteria: LabCorp Variant Classification Summary - May 2015. Collection method: clinical testing. Allele origin: germline. Not counted in ClinVar's aggregate classification.
Comment: Variant summary: RAG2 c.193G>T (p.Asp65Tyr) results in a non-conservative amino acid change in the encoded protein sequence. Five of five in-silico tools predict a damaging effect of the variant on protein function. The variant allele was found at a frequency of 4e-06 in 251474 control chromosomes (gnomAD). c.193G>T has been reported in the literature in an individual homozygous for the variant affected with Severe Combined Immunodeficiency (Dalal_2011). These data indicate that the variant may be associated with disease. At least one publication reported experimental evidence evaluating an impact on protein function, and demonstrated severely decreased recombinase activity (Tirosh_2019). Four submitters have provided clinical-significance assessments for this variant to ClinVar after 2014, and classified the variant as pathogenic (n=1), likely pathogenic (n=2), or uncertain significance (n=1). Based on the evidence outlined above, the variant was classified as likely pathogenic.

Labcorp Genetics (formerly Invitae), Labcorp
Classification: Uncertain significance for Combined immunodeficiency with skin granulomas; Severe combined immunodeficiency, autosomal recessive, T cell-negative, B cell-negative, NK cell-positive. Last evaluated: 2021-12-28. Review status: criteria provided, single submitter. Criteria: Invitae Variant Classification Sherloc (09022015). Collection method: clinical testing. Allele origin: germline. Not counted in ClinVar's aggregate classification.
Comment: This sequence change replaces aspartic acid, which is acidic and polar, with tyrosine, which is neutral and polar, at codon 65 of the RAG2 protein (p.Asp65Tyr). This variant is present in population databases (no rsID available, gnomAD 0.0009%). This missense change has been observed in individual(s) with severe combined immunodeficiency (PMID: 21624848). ClinVar contains an entry for this variant (Variation ID: 427020). Advanced modeling of protein sequence and biophysical properties (such as structural, functional, and spatial information, amino acid conservation, physicochemical variation, residue mobility, and thermodynamic stability) performed at Invitae indicates that this missense variant is expected to disrupt RAG2 protein function. Experimental studies have shown that this missense change affects RAG2 function (PMID: 29772310). In summary, the available evidence is currently insufficient to determine the role of this variant in disease. Therefore, it has been classified as a Variant of Uncertain Significance.

Fulgent Genetics
Classification: Likely pathogenic for Combined immunodeficiency with skin granulomas; Severe combined immunodeficiency, autosomal recessive, T cell-negative, B cell-negative, NK cell-positive; Histiocytic medullary reticulosis. Last evaluated: 2021-11-12. Review status: criteria provided, single submitter. Criteria: ACMG Guidelines, 2015. Collection method: clinical testing. Allele origin: unknown. Not counted in ClinVar's aggregate classification.

GeneDx
Classification: Pathogenic. Last evaluated: 2020-01-20. Review status: criteria provided, single submitter. Criteria: GeneDx Variant Classification Process June 2021. Collection method: clinical testing. Allele origin: germline. Affected: yes. Not counted in ClinVar's aggregate classification.
Comment: Published functional studies demonstrate a damaging effect with a recombination activity of 6.8% of WT hRAG2(Tirosh 2018); Not observed at a significant frequency in large population cohorts (Lek et al., 2016); In silico analysis, which includes protein predictors and evolutionary conservation, supports a deleterious effect; This variant is associated with the following publications: (PMID: 21624848, 29772310)

Pediatric Immunology Service, The Chaim Sheba Medical Center at Tel HaShomer
Classification: Likely pathogenic for RAG2 deficiency; Primary immunodeficiency; Severe combined immunodeficiency due to complete RAG1/2 deficiency. Last evaluated: 2018-03-06. Review status: criteria provided, single submitter. Criteria: ACMG Guidelines, 2015. Collection method: research. Allele origin: germline. Affected: yes. Not counted in ClinVar's aggregate classification.

Literature cited by the submitters: PubMed 29772310 (cited by Women's Health and Genetics/Laboratory Corporation of America, LabCorp and Labcorp Genetics (formerly Invitae), Labcorp); PubMed 21624848 (cited by 3 submitters).